The following is an entry in ClinVar:

NM_001252020.2(TRPM1):c.-2A>G

Gene: TRPM1 (transient receptor potential cation channel subfamily M member 1; minus strand). Cytogenetic location: 15q13.3.
Variant type: single nucleotide variant.
Coding change: c.-2A>G on transcript NM_001252020.2; 2 bases upstream of the start codon, A replaced by G.
Molecular consequence: 5 prime UTR variant.
Genome position (GRCh38, 1-based): chr15:31,160,961, T>C on the plus strand (A>G on the coding strand, the complement: TRPM1 is on the minus strand). VCF-style: chr15-31160961-T-C. GRCh37 (hg19) VCF-style: chr15-31453164-T-C.
Identifiers: ClinVar variation 3035575 (VCV003035575.3), dbSNP rs546406743, ClinGen allele CA7453175.
Genomic context (GRCh38, chr15:31,160,961, plus strand): 5'-CTCACCTTCTGCGACCCTGATGTGGAGCTCTTGAGCGAGCCCCGCTTGAAGGAGCTCATC[T>C]CTCTCAGTGAGCCTGTGAGCCACCCTGCTGACTCCCTCGGGTGGCCAGGCCAGTGGCACA-3'

ClinVar aggregate classification (germline): Likely benign. Review status: criteria provided, single submitter (1 of 4 stars). 2 submissions from 2 submitters: Likely benign (1). 1 of the submissions does not count toward it. Last evaluated 2024-10-02.

Conditions:
TRPM1-related disorder. Also called: TRPM1-related condition.

Allele frequency attached by ClinVar (database versions not stated): ExAC 0.00009; gnomAD exomes 0.00102; 1000 Genomes Project 30x 0.00062; gnomAD 0.00090.
gnomAD v4.1: 1,511 of 1,535,444 alleles (0.098%); highest among the groups gnomAD compares: Non-Finnish European, 0.13%; no homozygotes.

Submissions (2):

Blueprint Genetics
Classification: Likely benign. Last evaluated: 2024-10-02. Review status: criteria provided, single submitter. Criteria: ACMG Guidelines, 2015. Collection method: clinical testing. Allele origin: germline.

PreventionGenetics, part of Exact Sciences
Classification: Likely benign for TRPM1-related condition. Last evaluated: 2024-01-29. Review status: no assertion criteria provided. Collection method: clinical testing. Allele origin: germline. Not counted in ClinVar's aggregate classification.
Comment: This variant is classified as likely benign based on ACMG/AMP sequence variant interpretation guidelines (Richards et al. 2015 PMID: 25741868, with internal and published modifications).